The following is an entry in ClinVar:

NM_003839.4(TNFRSF11A):c.1343G>A (p.Gly448Asp)

Gene: TNFRSF11A (TNF receptor superfamily member 11a; plus strand). Cytogenetic location: 18q21.33.
Variant type: single nucleotide variant.
Coding change: c.1343G>A on transcript NM_003839.4 (MANE Select); coding-DNA position 1343, G replaced by A.
Protein change: p.Gly448Asp; replaces glycine 448 with aspartic acid.
Molecular consequence: missense variant. On other transcripts: intron variant (3).
Genome position (GRCh38, 1-based): chr18:62,369,260, G>A. VCF-style: chr18-62369260-G-A. GRCh37 (hg19) VCF-style: chr18-60036493-G-A.
Other names: c.1301G>A, p.Gly434Asp (NM_001278268.2); c.783+2500G>A (NM_001270949.2); c.730+7467G>A (NM_001270950.2); c.616+9211G>A (NM_001270951.2); short protein forms G448D, G434D.
Identifiers: ClinVar variation 3015448 (VCV003015448.3), dbSNP rs1339695564, ClinGen allele CA402617782.
Genomic context (GRCh38, chr18:62,369,260, plus strand): 5'-GTGGCCATTGCCCGCACTGGGCAGCCAGCCCCAGCCCCAACTGGGCAGATGTCTGCACAG[G>A]CTGCCGGAACCCTCCTGGGGAGGACTGTGAACCCCTCGTGGGTTCCCCAAAACGTGGACC-3'
Protein context (NP_003830.1, residues 438-458): PSPNWADVCT[Gly448Asp]CRNPPGEDCE

ClinVar aggregate classification (germline): Uncertain significance (1 of 4 stars; one submission).

Submission:

Labcorp Genetics (formerly Invitae), Labcorp
Classification: Uncertain significance. Last evaluated: 2023-10-29. Review status: criteria provided, single submitter. Criteria: Invitae Variant Classification Sherloc (09022015). Collection method: clinical testing. Allele origin: germline.
Comment: This sequence change replaces glycine, which is neutral and non-polar, with aspartic acid, which is acidic and polar, at codon 448 of the TNFRSF11A protein (p.Gly448Asp). This variant is present in population databases (no rsID available, gnomAD 0.003%). This variant has not been reported in the literature in individuals affected with TNFRSF11A-related conditions. An algorithm developed to predict the effect of missense changes on protein structure and function (PolyPhen-2) suggests that this variant is likely to be disruptive. In summary, the available evidence is currently insufficient to determine the role of this variant in disease. Therefore, it has been classified as a Variant of Uncertain Significance.